The following is an entry in ClinVar:

NM_001267550.2(TTN):c.62572A>G (p.Thr20858Ala)

Genes: TTN (titin; minus strand), TTN-AS1 (TTN antisense RNA 1; plus strand). Cytogenetic location: 2q31.2.
Variant type: single nucleotide variant.
Coding change: c.62572A>G on transcript NM_001267550.2 (MANE Select); coding-DNA position 62572, A replaced by G.
Protein change: p.Thr20858Ala; replaces threonine 20858 with alanine.
Molecular consequence: missense variant.
Genome position (GRCh38, 1-based): chr2:178,589,153, T>C on the plus strand (A>G on the coding strand, the complement: TTN is on the minus strand). VCF-style: chr2-178589153-T-C. GRCh37 (hg19) VCF-style: chr2-179453880-T-C.
Other names: p.T19217A:ACT>GCT; c.57649A>G, p.Thr19217Ala (NM_001256850.1); c.54868A>G, p.Thr18290Ala (NM_133378.4); c.35377A>G, p.Thr11793Ala (NM_003319.4); c.35752A>G, p.Thr11918Ala (NM_133432.3); c.35953A>G, p.Thr11985Ala (NM_133437.4); c.62572A>G (NM_001267550.1); short protein forms T20858A, T18290A, T19217A, T11918A, T11793A, T11985A.
Identifiers: ClinVar variation 47185 (VCV000047185.72), dbSNP rs200689750, ClinGen allele CA140255.

ClinVar aggregate classification (germline): Conflicting classifications of pathogenicity. Review status: criteria provided, conflicting classifications (1 of 4 stars). 22 submissions from 18 submitters: Uncertain significance (8); Benign (3); Likely benign (7). 4 of the submissions do not count toward it. Last evaluated 2025-07-31.

Conditions:
TTN-related disorder. Also called: TTN-related condition; TTN-related disease; TTN-related disorders.
Cardiovascular phenotype. Identifiers: MedGen CN230736.
Dilated cardiomyopathy 1G (CMD1G). Identifiers: Orphanet 154, MedGen C1858763, MONDO:0011400, OMIM 604145.
Autosomal recessive limb-girdle muscular dystrophy type 2J (LGMDR10). Also called: Limb-girdle muscular dystrophy, type 2J; MUSCULAR DYSTROPHY, LIMB-GIRDLE, AUTOSOMAL RECESSIVE 10. Identifiers: Orphanet 140922, MedGen C1837342, MONDO:0012127, OMIM 608807.
Cardiomyopathy (CMYO). Also called: Cardiomyopathies. Identifiers: Orphanet 167848, MedGen C0878544, MONDO:0004994, HP:0001638. Inheritance: Various modes of inheritance.
Early-onset myopathy with fatal cardiomyopathy (CMYO5). Also called: Salih Myopathy; CONGENITAL MYOPATHY 5 WITH CARDIOMYOPATHY. Identifiers: Orphanet 289377, MedGen C2673677, MONDO:0012714, OMIM 611705. Disease mechanism: loss of function.
Myopathy, myofibrillar, 9, with early respiratory failure (MFM9). Also called: Hereditary myopathy with early respiratory failure; Myopathy, distal, with early respiratory failure, autosomal dominant; EDSTROM MYOPATHY; MYOPATHY, PROXIMAL, WITH EARLY RESPIRATORY MUSCLE INVOLVEMENT. Identifiers: Orphanet 178464, Orphanet 34521, MedGen C1863599, MONDO:0011362, OMIM 603689.
Tibial muscular dystrophy (TMD). Also called: Udd Distal Myopathy – Tibial Muscular Dystrophy; Tibial muscular dystrophy, tardive; UDD MYOPATHY. Identifiers: Orphanet 609, MedGen C1838244, MONDO:0010870, OMIM 600334.

Allele frequency attached by ClinVar (database versions not stated): 1000 Genomes Project 0.00020; gnomAD 0.00028; 1000 Genomes Project 30x 0.00031; TOPMed 0.00034; gnomAD exomes 0.00041 and 0.00061; ExAC 0.00042; ESP Exome Variant Server 0.00100.
gnomAD v4.1: 912 of 1,613,320 alleles (0.057%); highest among the groups gnomAD compares: Non-Finnish European, 0.074%; 2 homozygotes.

Submissions (22):

Revvity Omics, Revvity
Classification: Uncertain significance. Last evaluated: 2025-07-31. Review status: criteria provided, single submitter. Criteria: ACMG Guidelines, 2015. Collection method: clinical testing. Allele origin: germline.

PreventionGenetics, part of Exact Sciences
Classification: Likely benign for TTN-related condition. Last evaluated: 2025-06-10. Review status: criteria provided, single submitter. Criteria: ACMG Guidelines, 2015. Collection method: clinical testing. Allele origin: germline.
Comment: This variant is classified as likely benign based on ACMG/AMP sequence variant interpretation guidelines (Richards et al. 2015 PMID: 25741868, with internal and published modifications).

Molecular Diagnostic Laboratory for Inherited Cardiovascular Disease, Montreal Heart Institute
Classification: Likely benign. Last evaluated: 2025-04-09. Review status: criteria provided, single submitter. Criteria: ACMG Guidelines, 2015. Collection method: clinical testing. Allele origin: germline. Affected: no.

Blueprint Genetics
Classification: Likely benign. Last evaluated: 2024-09-24. Review status: criteria provided, single submitter. Criteria: ACMG Guidelines, 2015. Collection method: clinical testing. Allele origin: germline.

Women's Health and Genetics/Laboratory Corporation of America, LabCorp
Classification: Likely benign. Last evaluated: 2023-05-03. Review status: criteria provided, single submitter. Criteria: LabCorp Variant Classification Summary - May 2015. Collection method: clinical testing. Allele origin: germline.
Comment: Variant summary: TTN c.54868A>G (p.Thr18290Ala) results in a non-conservative amino acid change located in the A-band region of the encoded protein sequence. Three of five in-silico tools predict a benign effect of the variant on protein function. The variant allele was found at a frequency of 0.00041 in 248280 control chromosomes (gnomAD), predominantly at a frequency of 0.00081 within the Non-Finnish European subpopulation in the gnomAD database. The observed variant frequency within Non-Finnish European control individuals in the gnomAD database is approximately 2 fold of the estimated maximal expected allele frequency for a pathogenic variant in TTN causing Dilated Cardiomyopathy phenotype (0.00039), strongly suggesting that the variant is a benign polymorphism found primarily in populations of Non-Finnish European origin. c.54868A>G has been reported in the literature in individuals affected with long QT syndrome (Campuzano_2015) and co-occuring with a truncting TTN variant in an individual with Dilated Cardiomyopathy (Fomin_2021). These reports do not provide unequivocal conclusions about association of the variant with Dilated Cardiomyopathy. To our knowledge, no experimental evidence demonstrating an impact on protein function has been reported. The following publications have been ascertained in the context of this evaluation (PMID: 26516846, 34731013). Nine ClinVar submitters have assessed the variant since 2014: five classified the variant as uncertain significance, two as likely benign, and two as benign. Based on the evidence outlined above, the variant was classified as likely benign.

CHEO Genetics Diagnostic Laboratory, Children's Hospital of Eastern Ontario
Classification: Benign for Cardiomyopathy. Last evaluated: 2022-03-11. Review status: criteria provided, single submitter. Criteria: ACMG Guidelines, 2015. Collection method: clinical testing. Allele origin: germline.

GeneDx
Classification: Likely benign. Last evaluated: 2022-01-13. Review status: criteria provided, single submitter. Criteria: GeneDx Variant Classification Process June 2021. Collection method: clinical testing. Allele origin: germline. Affected: yes.
Comment: This variant is associated with the following publications: (PMID: 23861362)

CeGaT Center for Human Genetics Tuebingen
Classification: Uncertain significance. Last evaluated: 2020-09-01. Review status: criteria provided, single submitter. Criteria: CeGaT Center For Human Genetics Tuebingen Variant Classification Criteria Version 2. Collection method: clinical testing. Allele origin: germline. Affected: yes. Observed: 2 variant alleles.

Ambry Genetics
Classification: Likely benign for Cardiovascular phenotype. Last evaluated: 2020-07-22. Review status: criteria provided, single submitter. Criteria: Ambry Autosomal Dominant and X-Linked criteria (7/2020). Collection method: clinical testing. Allele origin: germline. Observed: 1 variant allele.
Comment: In silico models in agreement (benign);Subpopulation frequency in support of benign classification

Illumina Laboratory Services, Illumina
Classification: Uncertain significance for Autosomal recessive limb-girdle muscular dystrophy type 2J. Last evaluated: 2018-01-13. Review status: criteria provided, single submitter. Criteria: ICSL Variant Classification Criteria 13 December 2019. Collection method: clinical testing. Allele origin: germline.

Illumina Laboratory Services, Illumina
Classification: Benign for Tibial muscular dystrophy. Last evaluated: 2018-01-13. Review status: criteria provided, single submitter. Criteria: ICSL Variant Classification Criteria 13 December 2019. Collection method: clinical testing. Allele origin: germline.
Comment: This variant was observed in the ICSL laboratory as part of a predisposition screen in an ostensibly healthy population. It had not been previously curated by ICSL or reported in the Human Gene Mutation Database (HGMD: prior to June 1st, 2018), and was therefore a candidate for classification through an automated scoring system. Utilizing variant allele frequency, disease prevalence and penetrance estimates, and inheritance mode, an automated score was calculated to assess if this variant is too frequent to cause the disease. Based on the score and internal cut-off values, a variant classified as benign is not then subjected to further curation. The score for this variant resulted in a classification of benign for this disease.

Illumina Laboratory Services, Illumina
Classification: Uncertain significance for Early-onset myopathy with fatal cardiomyopathy. Last evaluated: 2018-01-13. Review status: criteria provided, single submitter. Criteria: ICSL Variant Classification Criteria 13 December 2019. Collection method: clinical testing. Allele origin: germline.

Illumina Laboratory Services, Illumina
Classification: Benign for Myopathy, myofibrillar, 9, with early respiratory failure. Last evaluated: 2018-01-13. Review status: criteria provided, single submitter. Criteria: ICSL Variant Classification Criteria 13 December 2019. Collection method: clinical testing. Allele origin: germline.
Comment: the same text as in the submission from Illumina Laboratory Services, Illumina above.

Illumina Laboratory Services, Illumina
Classification: Uncertain significance for Dilated cardiomyopathy 1G. Last evaluated: 2018-01-13. Review status: criteria provided, single submitter. Criteria: ICSL Variant Classification Criteria 13 December 2019. Collection method: clinical testing. Allele origin: germline.

Labcorp Genetics (formerly Invitae), Labcorp
Classification: Uncertain significance for Dilated cardiomyopathy 1G; Autosomal recessive limb-girdle muscular dystrophy type 2J. Last evaluated: 2017-12-08. Review status: criteria provided, single submitter. Criteria: Invitae Variant Classification Sherloc (09022015). Collection method: clinical testing. Allele origin: germline.

Eurofins Ntd Llc (ga)
Classification: Uncertain significance. Last evaluated: 2015-10-08. Review status: criteria provided, single submitter. Criteria: EGL Classification Definitions 2015. Collection method: clinical testing. Allele origin: germline. Observed: 5 variant alleles, 5 heterozygotes.

Biesecker Lab/Clinical Genomics Section, National Institutes of Health
Classification: Likely benign. Last evaluated: 2013-06-24. Review status: criteria provided, single submitter. Criteria: Ng et al. (Circ Cardiovasc Genet. 2013). Collection method: research. Allele origin: unknown. Observed: 1 variant allele. Study: ClinSeq.
Comment: The study set was not selected for affection status in relation to any cancer. Pathogenicity categories were based on literature curation. See Pubmed ID:23861362 for details.

Medical sequencing

Laboratory for Molecular Medicine, Mass General Brigham Personalized Medicine
Classification: Uncertain significance. Last evaluated: 2012-12-10. Review status: criteria provided, single submitter. Criteria: LMM Criteria. Collection method: clinical testing. Allele origin: germline. Observed: 1 variant allele.
Comment: Variant classified as Uncertain Significance - Favor Benign. The Thr18290Ala var iant in TTN has not been reported in the literature nor previously identified by our laboratory. This variant has been identified in 0.1% (9/8240) of European A merican chromosomes from a broad population by the NHLBI Exome Sequencing Projec t. Computational analyses (biochemical amino acid properties, conservation, AlignGVGD, PolyPhen2, and SIFT) do not provide st rong support for or against an impact to the protein. In summary, the frequency of this variant suggests that it is more likely benign, but it is too low to con fidently rule out a disease-causing role. Additional information is needed to fu lly assess the clinical significance of this variant.

Clinical Genetics DNA and cytogenetics Diagnostics Lab, Erasmus MC, Erasmus Medical Center
Classification: Likely benign. Review status: no assertion criteria provided. Collection method: clinical testing. Allele origin: germline. Affected: yes. Study: VKGL Data-share Consensus. Not counted in ClinVar's aggregate classification.

Clinical Genetics, Academic Medical Center
Classification: Likely benign. Review status: no assertion criteria provided. Collection method: clinical testing. Allele origin: germline. Affected: yes. Study: VKGL Data-share Consensus. Not counted in ClinVar's aggregate classification.

Diagnostic Laboratory, Department of Genetics, University Medical Center Groningen
Classification: Likely benign. Review status: no assertion criteria provided. Collection method: clinical testing. Allele origin: germline. Affected: yes. Study: VKGL Data-share Consensus. Not counted in ClinVar's aggregate classification.

Genome Diagnostics Laboratory, University Medical Center Utrecht
Classification: Likely benign. Review status: no assertion criteria provided. Collection method: clinical testing. Allele origin: germline. Affected: yes. Study: VKGL Data-share Consensus. Not counted in ClinVar's aggregate classification.

Literature cited by the submitters: PubMed 26516846 (cited by Women's Health and Genetics/Laboratory Corporation of America, LabCorp); PubMed 34731013 (cited by Women's Health and Genetics/Laboratory Corporation of America, LabCorp).